The following is an entry in ClinVar:

ClinVar aggregate classification (germline): Likely benign. Review status: criteria provided, single submitter (1 of 4 stars). 2 submissions from 2 submitters: Likely benign (1). 1 of the submissions does not count toward it. Last evaluated 2023-08-04.

Conditions:
Autosomal recessive nonsyndromic hearing loss 66 (DFNB66). Also called: Deafness, autosomal recessive 66. Identifiers: Orphanet 90636, MedGen C1857750, MONDO:0012442, OMIM 610212.
Isolated neonatal sclerosing cholangitis (NSC). Also called: Sclerosing cholangitis, neonatal. Identifiers: Orphanet 480556, MedGen C4479344, MONDO:0018816, OMIM 617394.
DCDC2-related disorder. Also called: DCDC2-related condition.

Allele frequency attached by ClinVar (database versions not stated): gnomAD exomes 0.00001; ExAC 0.00002; gnomAD 0.00003; TOPMed 0.00004.
gnomAD v4.1: 16 of 1,614,082 alleles (0.00099%); highest among the groups gnomAD compares: East Asian, 0.0089%; no homozygotes.

Submissions (2):

Labcorp Genetics (formerly Invitae), Labcorp
Classification: Likely benign for Autosomal recessive nonsyndromic hearing loss 66; Isolated neonatal sclerosing cholangitis. Last evaluated: 2023-08-04. Review status: criteria provided, single submitter. Criteria: Invitae Variant Classification Sherloc (09022015). Collection method: clinical testing. Allele origin: germline.

PreventionGenetics, part of Exact Sciences
Classification: Likely benign for DCDC2-related condition. Last evaluated: 2022-04-19. Review status: no assertion criteria provided. Collection method: clinical testing. Allele origin: germline. Not counted in ClinVar's aggregate classification.
Comment: This variant is classified as likely benign based on ACMG/AMP sequence variant interpretation guidelines (Richards et al. 2015 PMID: 25741868, with internal and published modifications).

NM_016356.5(DCDC2):c.1272A>G (p.Gln424=)

Gene: DCDC2 (doublecortin domain containing 2; minus strand). Cytogenetic location: 6p22.3.
Variant type: single nucleotide variant.
Coding change: c.1272A>G on transcript NM_016356.5 (MANE Select); coding-DNA position 1272, A replaced by G.
Protein change: p.Gln424=; no amino-acid change (glutamine 424 retained).
Molecular consequence: synonymous variant.
Genome position (GRCh38, 1-based): chr6:24,178,384, T>C on the plus strand (A>G on the coding strand, the complement: DCDC2 is on the minus strand). VCF-style: chr6-24178384-T-C. GRCh37 (hg19) VCF-style: chr6-24178612-T-C.
Other names: c.1272A>G, p.Gln424= (NM_001195610.2); c.1272A>G (NM_016356.4).
Identifiers: ClinVar variation 2159957 (VCV002159957.6), dbSNP rs755258271, ClinGen allele CA3654470.